The following is an entry in ClinVar:

NM_001374736.1(DST):c.2078C>G (p.Ser693Cys)

Gene: DST (dystonin; minus strand). Cytogenetic location: 6p12.1.
Variant type: single nucleotide variant.
Coding change: c.2078C>G on transcript NM_001374736.1 (MANE Select); coding-DNA position 2078, C replaced by G.
Protein change: p.Ser693Cys; replaces serine 693 with cysteine.
Molecular consequence: missense variant.
Genome position (GRCh38, 1-based): chr6:56,640,555, G>C on the plus strand (C>G on the coding strand, the complement: DST is on the minus strand). VCF-style: chr6-56640555-G-C. GRCh37 (hg19) VCF-style: chr6-56505353-G-C.
Other names: c.467C>G (NM_001723.5); c.1979C>G, p.Ser660Cys (NM_001144769.5); c.1565C>G, p.Ser522Cys (NM_001144770.2); c.2078C>G, p.Ser693Cys (NM_001374722.1); c.1445C>G, p.Ser482Cys (NM_001374729.1, NM_001374730.1, NM_001386100.1 and 1 more transcripts); c.2105C>G, p.Ser702Cys (NM_001374734.1); c.467C>G, p.Ser156Cys (NM_001723.7, NM_015548.5); short protein forms S156C, S522C, S693C, S482C, S660C, S702C.
Identifiers: ClinVar variation 2158881 (VCV002158881.5), dbSNP rs758267968, ClinGen allele CA3871487.

ClinVar aggregate classification (germline): Uncertain significance. Review status: criteria provided, multiple submitters, no conflicts (2 of 4 stars). 2 submissions from 2 submitters: Uncertain significance (2). Last evaluated 2023-06-27.

Conditions:
Hereditary sensory and autonomic neuropathy type 6. Also called: HSAN VI; Neuropathy, hereditary sensory and autonomic, type VI. Identifiers: Orphanet 314381, MedGen C3539003, MONDO:0013839, OMIM 614653.
Epidermolysis bullosa simplex 3, localized or generalized intermediate, with BP230 deficiency (EBS3). Also called: Epidermolysis bullosa simplex due to BP230 deficiency; Epidermolysis bullosa simplex, autosomal recessive 2. Identifiers: Orphanet 412181, MedGen C3809470, MONDO:0014180, OMIM 615425.

Allele frequency attached by ClinVar (database versions not stated): gnomAD exomes below 0.00001; TOPMed below 0.00001; gnomAD 0.00001; ExAC 0.00002.
gnomAD v4.1: 7 of 1,614,050 alleles (0.00043%); highest among the groups gnomAD compares: Non-Finnish European, 0.00059%; no homozygotes.

Submissions (2):

GeneDx
Classification: Uncertain significance. Last evaluated: 2023-06-27. Review status: criteria provided, single submitter. Criteria: GeneDx Variant Classification Process June 2021. Collection method: clinical testing. Allele origin: germline. Affected: yes.
Comment: In silico analysis supports that this missense variant has a deleterious effect on protein structure/function; Has not been previously published as pathogenic or benign to our knowledge

Labcorp Genetics (formerly Invitae), Labcorp
Classification: Uncertain significance for Epidermolysis bullosa simplex 3, localized or generalized intermediate, with BP230 deficiency; Hereditary sensory and autonomic neuropathy type 6. Last evaluated: 2022-03-25. Review status: criteria provided, single submitter. Criteria: Invitae Variant Classification Sherloc (09022015). Collection method: clinical testing. Allele origin: germline.
Comment: This sequence change replaces serine, which is neutral and polar, with cysteine, which is neutral and slightly polar, at codon 156 of the DST protein (p.Ser156Cys). In summary, the available evidence is currently insufficient to determine the role of this variant in disease. Therefore, it has been classified as a Variant of Uncertain Significance. Algorithms developed to predict the effect of missense changes on protein structure and function are either unavailable or do not agree on the potential impact of this missense change (SIFT: "Deleterious"; PolyPhen-2: "Possibly Damaging"; Align-GVGD: "Class C15"). This variant has not been reported in the literature in individuals affected with DST-related conditions. This variant is present in population databases (rs758267968, gnomAD 0.002%).